The following is an entry in ClinVar:

ClinVar aggregate classification (germline): Likely pathogenic (1 of 4 stars; one submission).

Conditions:
Progressive sclerosing poliodystrophy (MTDPS4A). Also called: ALPERS PROGRESSIVE INFANTILE POLIODYSTROPHY; NEURONAL DEGENERATION OF CHILDHOOD WITH LIVER DISEASE, PROGRESSIVE; Mitochondrial DNA Depletion Syndrome 4A; Alpers-Huttenlocher Syndrome (AHS); Alpers Syndrome; ALPERS DIFFUSE DEGENERATION OF CEREBRAL GRAY MATTER WITH HEPATIC CIRRHOSIS. Identifiers: Orphanet 726, MedGen C0205710, MONDO:0008758, OMIM 203700.
Sensory ataxic neuropathy, dysarthria, and ophthalmoparesis (SANDO). Also called: Epilepsy, progressive myoclonic, type 5; Ataxia Neuropathy Spectrum (ANS); Sensory ataxic neuropathy-dysarthria-ophthalmoparesis syndrome; SENSORY ATAXIC NEUROPATHY WITH MITOCHONDRIAL DNA DELETIONS, AUTOSOMAL RECESSIVE. Identifiers: Orphanet 70595, MedGen C1843851, MONDO:0011835, OMIM 607459.
Mitochondrial DNA depletion syndrome 4b. Also called: Mitochondrial Neurogastrointestinal Encephalopathy Disease, POLG-Related; MNGIE, POLG-RELATED. Identifiers: Orphanet 298, MedGen C3150914, MONDO:0013350, OMIM 613662.

Submission:

Unidad de Genómica Garrahan, Hospital de Pediatría Garrahan
Classification: Likely pathogenic for Progressive sclerosing poliodystrophy; Mitochondrial DNA depletion syndrome 4b; Sensory ataxic neuropathy, dysarthria, and ophthalmoparesis. Last evaluated: 2024-05-30. Review status: criteria provided, single submitter. Criteria: ACMG Guidelines, 2015. Collection method: clinical testing. Allele origin: maternal. Inheritance: Autosomal recessive inheritance. Affected: yes. Observed: 1 compound heterozygote.
Comment: The missense variant NM_002693.3: c.2755A>G in exon 18 of the POLG gene involves a change at the protein level from Methionine to Valine at position 919 (p.(Met919Val)). This variant has a null frequency in population databases and has not been reported in databases associated with pathology. Bioinformatic prediction tests indicate that the variant would have a deleterious effect on the functionality of the protein (REVEL: 0.93; AlphaMissense: 0.89). This variant was in compound heterozygosity with the pathogenic variant c.2542G>A p.Gly848Ser, one of the most frequent variants reported in disorders associated with POLG. (PM2moderate, PM3moderate, PP3moderate).

Literature cited by the submitters: PubMed 20301791.

NM_002693.3(POLG):c.2755A>G (p.Met919Val)

Gene: POLG (DNA polymerase gamma, catalytic subunit; minus strand). Cytogenetic location: 15q26.1.
Variant type: single nucleotide variant.
Coding change: c.2755A>G on transcript NM_002693.3 (MANE Select); coding-DNA position 2755, A replaced by G.
Protein change: p.Met919Val; replaces methionine 919 with valine.
Molecular consequence: missense variant.
Genome position (GRCh38, 1-based): chr15:89,320,992, T>C on the plus strand (A>G on the coding strand, the complement: POLG is on the minus strand). VCF-style: chr15-89320992-T-C. GRCh37 (hg19) VCF-style: chr15-89864223-T-C.
Other names: c.2755A>G, p.Met919Val (NM_001126131.2); short protein forms M919V.
Identifiers: ClinVar variation 3241955 (VCV003241955.2), dbSNP rs1299487054.